The following is an entry in ClinVar:

NM_004606.5(TAF1):c.682A>T (p.Thr228Ser)

Gene: TAF1 (TATA-box binding protein associated factor 1; plus strand). Cytogenetic location: Xq13.1.
Variant type: single nucleotide variant.
Coding change: c.682A>T on transcript NM_004606.5 (MANE Select); coding-DNA position 682, A replaced by T.
Protein change: p.Thr228Ser; replaces threonine 228 with serine.
Molecular consequence: missense variant. On other transcripts: non-coding transcript variant (9).
Genome position (GRCh38, 1-based): chrX:71,377,159, A>T. VCF-style: chrX-71377159-A-T. GRCh37 (hg19) VCF-style: chrX-70597009-A-T.
Other names: c.682A>T, p.Thr228Ser (NM_001286074.2); c.619A>T, p.Thr207Ser (NM_138923.4); short protein forms T207S, T228S.
Identifiers: ClinVar variation 1306256 (VCV001306256.2), dbSNP rs2148223043, ClinGen allele CA413506600.

ClinVar aggregate classification (germline): Uncertain significance (1 of 4 stars; one submission).

Submission:

GeneDx
Classification: Uncertain significance. Last evaluated: 2019-05-31. Review status: criteria provided, single submitter. Criteria: GeneDx Variant Classification Process June 2021. Collection method: clinical testing. Allele origin: germline. Affected: yes.
Comment: Has not been previously published as pathogenic or benign to our knowledge; Not observed in large population cohorts (Lek et al., 2016); In silico analysis, which includes protein predictors and evolutionary conservation, supports that this variant does not alter protein structure/function